The following is an entry in ClinVar:

ClinVar aggregate classification (germline): Benign/Likely benign. Review status: criteria provided, multiple submitters, no conflicts (2 of 4 stars). 5 submissions from 5 submitters: Benign (2); Likely benign (2). 1 of the submissions does not count toward it. Last evaluated 2026-08-01.

Conditions:
Genetic developmental and epileptic encephalopathy. Identifiers: MedGen CN379639, MONDO:0100062.
RYR3-related disorder. Also called: RYR3-related condition.
Epileptic encephalopathy. Identifiers: MedGen C0543888, HP:0200134.

Allele frequency attached by ClinVar (database versions not stated): 1000 Genomes Project 30x 0.00031; 1000 Genomes Project 0.00040; ESP Exome Variant Server 0.00254; TOPMed 0.00258; gnomAD exomes 0.00281 and 0.00409; ExAC 0.00283; gnomAD 0.00303 and 0.00307.
gnomAD v4.1: 6,432 of 1,613,820 alleles (0.4%); highest among the groups gnomAD compares: Non-Finnish European, 0.48%; 21 homozygotes.

Submissions (5):

CeGaT Center for Human Genetics Tuebingen
Classification: Likely benign. Last evaluated: 2026-08-01. Review status: criteria provided, single submitter. Criteria: CeGaT Center For Human Genetics Tuebingen Variant Classification Criteria Version 2. Collection method: clinical testing. Allele origin: germline. Affected: yes. Observed: 14 variant alleles.
Comment: RYR3: BP4, BS2

Center for Genomics, Ann and Robert H. Lurie Children's Hospital of Chicago
Classification: Benign for Genetic developmental and epileptic encephalopathy. Last evaluated: 2026-05-12. Review status: criteria provided, single submitter. Criteria: ACMG Guidelines, 2015. Collection method: clinical testing. Allele origin: germline.
Comment: This variant has not been reported in the literature in association with disease. It is present in gnomAD at a high frequency (Grpmax FAF: 0.47&, and 3 total homozygotes). It has been submitted to ClinVar (Accession: VCV000461984.38). Evolutionary conservation and computational tools predict that this variant does not negatively impact protein function. In summary, this variant is classified as benign.

Blueprint Genetics
Classification: Likely benign. Last evaluated: 2024-11-26. Review status: criteria provided, single submitter. Criteria: ACMG Guidelines, 2015. Collection method: clinical testing. Allele origin: germline.

Labcorp Genetics (formerly Invitae), Labcorp
Classification: Benign for Epileptic encephalopathy. Last evaluated: 2024-10-15. Review status: criteria provided, single submitter. Criteria: Invitae Variant Classification Sherloc (09022015). Collection method: clinical testing. Allele origin: germline.

PreventionGenetics, part of Exact Sciences
Classification: Likely benign for RYR3-related condition. Last evaluated: 2021-01-04. Review status: no assertion criteria provided. Collection method: clinical testing. Allele origin: germline. Not counted in ClinVar's aggregate classification.
Comment: This variant is classified as likely benign based on ACMG/AMP sequence variant interpretation guidelines (Richards et al. 2015 PMID: 25741868, with internal and published modifications).

NM_001036.6(RYR3):c.9254C>G (p.Pro3085Arg)

Gene: RYR3 (ryanodine receptor 3; plus strand). Cytogenetic location: 15q14.
Variant type: single nucleotide variant.
Coding change: c.9254C>G on transcript NM_001036.6 (MANE Select); coding-DNA position 9254, C replaced by G.
Protein change: p.Pro3085Arg; replaces proline 3085 with arginine.
Molecular consequence: missense variant.
Genome position (GRCh38, 1-based): chr15:33,780,327, C>G. VCF-style: chr15-33780327-C-G. GRCh37 (hg19) VCF-style: chr15-34072528-C-G.
Other names: c.9254C>G, p.Pro3085Arg (NM_001243996.4); short protein forms P3085R.
Identifiers: ClinVar variation 461984 (VCV000461984.43), dbSNP rs61996335, ClinGen allele CA7460465.